The following is an entry in ClinVar:

ClinVar aggregate classification (germline): Pathogenic (1 of 4 stars; one submission).

Conditions:
Retinitis pigmentosa 40 (RP40). Identifiers: Orphanet 791, MedGen C3151107, MONDO:0013429, OMIM 613801.

Submission:

3billion
Classification: Pathogenic for Retinitis pigmentosa 40. Last evaluated: 2023-08-29. Review status: criteria provided, single submitter. Criteria: ACMG Guidelines, 2015. Collection method: clinical testing. Allele origin: germline. Affected: yes.
Comment: The variant is not observed in the gnomAD v2.1.1 dataset. Predicted Consequence/Location: Stop-gained (nonsense): predicted to result in a loss or disruption of normal protein function through nonsense-mediated decay (NMD) or protein truncation. Multiple pathogenic variants are reported downstream of the variant. The variant has been reported to be associated with PDE6B related disorder (PMID: 25097241). Therefore, this variant is classified as Pathogenic according to the recommendation of ACMG/AMP guideline.

Literature cited by the submitters: PubMed 25097241.

NM_000283.4(PDE6B):c.869G>A (p.Trp290Ter)

Genes: PDE6B (phosphodiesterase 6B; plus strand), PDE6B-AS1 (PDE6B antisense RNA 1; minus strand). Cytogenetic location: 4p16.3.
Variant type: single nucleotide variant.
Coding change: c.869G>A on transcript NM_000283.4 (MANE Select); coding-DNA position 869, G replaced by A.
Protein change: p.Trp290Ter; replaces tryptophan 290 with a stop codon.
Molecular consequence: nonsense. On other transcripts: non-coding transcript variant (1), 5 prime UTR variant (1).
Genome position (GRCh38, 1-based): chr4:654,096, G>A. VCF-style: chr4-654096-G-A. GRCh37 (hg19) VCF-style: chr4-647885-G-A.
Other names: c.869G>A, p.Trp290Ter (NM_001145291.2); c.32G>A, p.Trp11Ter (NM_001145292.2, NM_001350154.3, NM_001379246.1 and 1 more transcripts); c.-172G>A (NM_001350155.3); short protein forms W11*, W290*.
Identifiers: ClinVar variation 3775278 (VCV003775278.1).